The following is an entry in ClinVar:

NM_007315.4(STAT1):c.1782G>C (p.Gln594His)

Gene: STAT1 (signal transducer and activator of transcription 1; minus strand). Cytogenetic location: 2q32.2.
Variant type: single nucleotide variant.
Coding change: c.1782G>C on transcript NM_007315.4 (MANE Select); coding-DNA position 1782, G replaced by C.
Protein change: p.Gln594His; replaces glutamine 594 with histidine.
Molecular consequence: missense variant.
Genome position (GRCh38, 1-based): chr2:190,978,947, C>G on the plus strand (G>C on the coding strand, the complement: STAT1 is on the minus strand). VCF-style: chr2-190978947-C-G. GRCh37 (hg19) VCF-style: chr2-191843673-C-G.
Other names: c.1722G>C, p.Gln574His (NM_001384880.1); c.1788G>C, p.Gln596His (NM_001384881.1, NM_001384884.1); c.1776G>C, p.Gln592His (NM_001384882.1); c.1683G>C, p.Gln561His (NM_001384883.1); c.1623G>C, p.Gln541His (NM_001384885.1); c.1782G>C, p.Gln594His (NM_001384886.1, NM_001384889.1, NM_139266.3); c.1689G>C, p.Gln563His (NM_001384887.1); c.1752G>C, p.Gln584His (NM_001384888.1); and 2 more; short protein forms Q541H, Q561H, Q563H, Q564H, Q574H, Q584H, Q592H, Q594H.
Identifiers: ClinVar variation 3755867 (VCV003755867.2).

ClinVar aggregate classification (germline): Uncertain significance (1 of 4 stars; one submission).

Conditions:
Immunodeficiency 31B. Also called: IMMUNODEFICIENCY 31B, MYCOBACTERIAL AND VIRAL INFECTIONS, AUTOSOMAL RECESSIVE; STAT1 DEFICIENCY, AUTOSOMAL RECESSIVE. Identifiers: Orphanet 391311, MedGen C3151088, MONDO:0013427, OMIM 613796.
Autoimmune enteropathy and endocrinopathy - susceptibility to chronic infections syndrome. Also called: Immunodeficiency 31C, autosomal dominant; Immunodeficiency 31C. Identifiers: Orphanet 391487, MedGen C3279990, MONDO:0013599, OMIM 614162.
Mendelian susceptibility to mycobacterial diseases due to partial STAT1 deficiency. Also called: IMMUNODEFICIENCY 31A, MYCOBACTERIOSIS, AUTOSOMAL DOMINANT; STAT1 DEFICIENCY, AUTOSOMAL DOMINANT; Immunodeficiency 31a. Identifiers: Orphanet 319595, MedGen C4013950, MONDO:0013956, OMIM 614892.

Submission:

Labcorp Genetics (formerly Invitae), Labcorp
Classification: Uncertain significance for Mendelian susceptibility to mycobacterial diseases due to partial STAT1 deficiency; Immunodeficiency 31B; Autoimmune enteropathy and endocrinopathy - susceptibility to chronic infections syndrome. Last evaluated: 2025-01-07. Review status: criteria provided, single submitter. Criteria: Invitae Variant Classification Sherloc (09022015). Collection method: clinical testing. Allele origin: germline.
Comment: This sequence change replaces glutamine, which is neutral and polar, with histidine, which is basic and polar, at codon 594 of the STAT1 protein (p.Gln594His). This variant is not present in population databases (gnomAD no frequency). This variant has not been reported in the literature in individuals affected with STAT1-related conditions. An algorithm developed to predict the effect of missense changes on protein structure and function (PolyPhen-2) suggests that this variant is likely to be disruptive. In summary, the available evidence is currently insufficient to determine the role of this variant in disease. Therefore, it has been classified as a Variant of Uncertain Significance.